The following is an entry in ClinVar:

ClinVar aggregate classification (germline): Pathogenic/Likely pathogenic. Review status: criteria provided, multiple submitters, no conflicts (2 of 4 stars). 2 submissions from 2 submitters: Pathogenic (1); Likely pathogenic (1). Last evaluated 2024-12-26.

Conditions:
Cranium bifidum occultum. Also called: CATLIN MARKS; CRANIUM BIFIDUM, HEREDITARY; Enlarged Parietal Foramina. Identifiers: MedGen C1868598, HP:0004423.
MSX2-related disorder. Also called: MSX2-related condition.

Allele frequency attached by ClinVar (database versions not stated): gnomAD exomes below 0.00001.
gnomAD v4.1: 2 of 1,614,206 alleles (0.00012%); highest among the groups gnomAD compares: Non-Finnish European, 0.00017%; no homozygotes.

Submissions (2):

Labcorp Genetics (formerly Invitae), Labcorp
Classification: Pathogenic for Cranium bifidum occultum. Last evaluated: 2024-12-26. Review status: criteria provided, single submitter. Criteria: Invitae Variant Classification Sherloc (09022015). Collection method: clinical testing. Allele origin: germline.
Comment: This sequence change creates a premature translational stop signal (p.Gln153*) in the MSX2 gene. While this is not anticipated to result in nonsense mediated decay, it is expected to disrupt the last 115 amino acid(s) of the MSX2 protein. This variant is not present in population databases (gnomAD no frequency). This variant has not been reported in the literature in individuals affected with MSX2-related conditions. ClinVar contains an entry for this variant (Variation ID: 1428798). This variant disrupts a region of the MSX2 protein in which other variant(s) (p.Leu154Pro) have been determined to be pathogenic (PMID: 10767351). This suggests that this is a clinically significant region of the protein, and that variants that disrupt it are likely to be disease-causing. For these reasons, this variant has been classified as Pathogenic.

Blueprint Genetics
Classification: Likely pathogenic for MSX2-related disorders. Last evaluated: 2023-01-31. Review status: criteria provided, single submitter. Criteria: ACMG Guidelines, 2015. Collection method: clinical testing. Allele origin: germline. Affected: yes. Observed: 2 variant alleles.

Literature cited by the submitters: PubMed 10767351 (cited by Labcorp Genetics (formerly Invitae), Labcorp).

NM_002449.5(MSX2):c.457C>T (p.Gln153Ter)

Gene: MSX2 (msh homeobox 2; plus strand). Cytogenetic location: 5q35.2.
Variant type: single nucleotide variant.
Coding change: c.457C>T on transcript NM_002449.5 (MANE Select); coding-DNA position 457, C replaced by T.
Protein change: p.Gln153Ter; replaces glutamine 153 with a stop codon.
Molecular consequence: nonsense. On other transcripts: 3 prime UTR variant (1).
Genome position (GRCh38, 1-based): chr5:174,729,236, C>T. VCF-style: chr5-174729236-C-T. GRCh37 (hg19) VCF-style: chr5-174156239-C-T.
Other names: c.*81C>T (NM_001363626.2); short protein forms Q153*.
Identifiers: ClinVar variation 1428798 (VCV001428798.7), dbSNP rs2113498696, ClinGen allele CA362229915.